The following is an entry in ClinVar:

NM_024577.4(SH3TC2):c.1607G>A (p.Arg536Gln)

Gene: SH3TC2 (SH3 domain and tetratricopeptide repeats 2; minus strand). Cytogenetic location: 5q32.
Variant type: single nucleotide variant.
Coding change: c.1607G>A on transcript NM_024577.4 (MANE Select); coding-DNA position 1607, G replaced by A.
Protein change: p.Arg536Gln; replaces arginine 536 with glutamine.
Molecular consequence: missense variant.
Genome position (GRCh38, 1-based): chr5:149,028,125, C>T on the plus strand (G>A on the coding strand, the complement: SH3TC2 is on the minus strand). VCF-style: chr5-149028125-C-T. GRCh37 (hg19) VCF-style: chr5-148407688-C-T.
Other names: short protein forms R536Q.
Identifiers: ClinVar variation 407266 (VCV000407266.56), dbSNP rs369977771, ClinGen allele CA3499150.
Genomic context (GRCh38, chr5:149,028,125, plus strand): 5'-TGGATGGCCTCCTCGAAGTACACCCTGGCCTGAGAGAGTTTGACCTTCCTGATGCTCAGC[C>T]GGCCCAGGAGGAAGCAGAGACGGGCATGGGCCCAGGTCATGTGGCTCTTCTTGGCCCACT-3'
Protein context (NP_078853.2, residues 526-546): AHARLCFLLG[Arg536Gln]LSIRKVKLSQ

ClinVar aggregate classification (germline): Conflicting classifications of pathogenicity. Review status: criteria provided, conflicting classifications (1 of 4 stars). 6 submissions from 6 submitters: Uncertain significance (5); Likely benign (1). Last evaluated 2026-07-18.

Conditions:
SH3TC2-related disorder. Also called: SH3TC2-related disorders; SH3TC2-related condition. Identifiers: MedGen CN239303.
Charcot-Marie-Tooth disease type 4. Also called: Charcot-Marie-Tooth disease, type IV; Charcot-Marie-Tooth, Type 4. Identifiers: Orphanet 64749, MedGen C4082197, MONDO:0018995.
Inborn genetic diseases. Identifiers: MedGen C0950123, MeSH D030342.
Charcot-Marie-Tooth disease. Also called: Charcot-Marie-Tooth Hereditary Neuropathy; Charcot-Marie-Tooth Neuropathy. Identifiers: Orphanet 166, MedGen C0007959, MONDO:0015626.

Allele frequency attached by ClinVar (database versions not stated): TOPMed 0.00007; ESP Exome Variant Server 0.00008; gnomAD exomes 0.00010; ExAC 0.00012; gnomAD 0.00013 and 0.00014.
gnomAD v4.1: 155 of 1,613,958 alleles (0.0096%); highest among the groups gnomAD compares: African/African-American, 0.012%; 1 homozygote.

Submissions (6):

PreventionGenetics, part of Exact Sciences
Classification: Uncertain significance for SH3TC2-related condition. Last evaluated: 2026-07-18. Review status: criteria provided, single submitter. Criteria: ACMG Guidelines, 2015. Collection method: clinical testing. Allele origin: germline.
Comment: The SH3TC2 c.1607G>A variant is predicted to result in the amino acid substitution p.Arg536Gln. This variant was reported as a variant of uncertain significance in an individual from a large cohort study of Charcot-Marie-Tooth disease; however, additional evidence was not provided (Volodarsky et al. 2021. PubMed ID: 32376792). This variant is reported in 0.042% of alleles in individuals of European (Finnish) descent in gnomAD. At this time, the clinical significance of this variant is uncertain due to the absence of conclusive functional and genetic evidence.

CeGaT Center for Human Genetics Tuebingen
Classification: Uncertain significance. Last evaluated: 2026-04-01. Review status: criteria provided, single submitter. Criteria: CeGaT Center For Human Genetics Tuebingen Variant Classification Criteria Version 2. Collection method: clinical testing. Allele origin: germline. Affected: yes. Observed: 2 variant alleles.
Comment: SH3TC2: PM2

Labcorp Genetics (formerly Invitae), Labcorp
Classification: Likely benign for Charcot-Marie-Tooth disease type 4. Last evaluated: 2025-09-02. Review status: criteria provided, single submitter. Criteria: Invitae Variant Classification Sherloc (09022015). Collection method: clinical testing. Allele origin: germline.

Athena Diagnostics
Classification: Uncertain significance. Last evaluated: 2022-12-02. Review status: criteria provided, single submitter. Criteria: Athena Diagnostics Criteria. Collection method: clinical testing. Allele origin: unknown.
Comment: Available data are insufficient to determine the clinical significance of the variant at this time. The frequency of this variant in the general population is uninformative in assessment of its pathogenicity. Computational tools disagree on the variant's effect on normal protein function.

Ambry Genetics
Classification: Uncertain significance for Inborn genetic diseases. Last evaluated: 2021-08-13. Review status: criteria provided, single submitter. Criteria: Ambry Variant Classification Scheme 2023. Collection method: clinical testing. Allele origin: germline.

Molecular Genetics Laboratory, London Health Sciences Centre
Classification: Uncertain significance for Charcot-Marie-Tooth disease. Review status: criteria provided, single submitter. Criteria: ACMG Guidelines, 2015. Collection method: clinical testing. Allele origin: germline. Affected: yes.

Literature cited by the submitters: PubMed 32376792 (cited by Athena Diagnostics); PubMed 22938532 (cited by Athena Diagnostics).